The following is an entry in ClinVar:

NM_020461.4(TUBGCP6):c.2862T>A (p.Ser954Arg)

Gene: TUBGCP6 (tubulin gamma complex component 6; minus strand). Cytogenetic location: 22q13.33.
Variant type: single nucleotide variant.
Coding change: c.2862T>A on transcript NM_020461.4 (MANE Select); coding-DNA position 2862, T replaced by A.
Protein change: p.Ser954Arg; replaces serine 954 with arginine.
Molecular consequence: missense variant.
Genome position (GRCh38, 1-based): chr22:50,221,497, A>T on the plus strand (T>A on the coding strand, the complement: TUBGCP6 is on the minus strand). VCF-style: chr22-50221497-A-T. GRCh37 (hg19) VCF-style: chr22-50659926-A-T.
Other names: short protein forms S954R.
Identifiers: ClinVar variation 1362829 (VCV001362829.5), dbSNP rs1275098719, ClinGen allele CA412186312.

ClinVar aggregate classification (germline): Uncertain significance (1 of 4 stars; one submission).

Allele frequency attached by ClinVar (database versions not stated): gnomAD 0.00001; gnomAD exomes below 0.00001; TOPMed below 0.00001.

Submission:

Labcorp Genetics (formerly Invitae), Labcorp
Classification: Uncertain significance. Last evaluated: 2021-09-24. Review status: criteria provided, single submitter. Criteria: Invitae Variant Classification Sherloc (09022015). Collection method: clinical testing. Allele origin: germline.
Comment: This sequence change replaces serine with arginine at codon 954 of the TUBGCP6 protein (p.Ser954Arg). The serine residue is weakly conserved and there is a moderate physicochemical difference between serine and arginine. This variant is not present in population databases (ExAC no frequency). This variant has not been reported in the literature in individuals with TUBGCP6-related conditions. Algorithms developed to predict the effect of missense changes on protein structure and function output the following: SIFT: "Tolerated"; PolyPhen-2: "Benign"; Align-GVGD: "Class C0". The arginine amino acid residue is found in multiple mammalian species, suggesting that this missense change does not adversely affect protein function. These predictions have not been confirmed by published functional studies and their clinical significance is uncertain. In summary, the available evidence is currently insufficient to determine the role of this variant in disease. Therefore, it has been classified as a Variant of Uncertain Significance.